The following is an entry in ClinVar:

ClinVar aggregate classification (germline): Uncertain significance (1 of 4 stars; one submission).

Conditions:
Werner syndrome (WRN). Identifiers: Orphanet 902, MedGen C0043119, MONDO:0010196, OMIM 277700.

Allele frequency attached by ClinVar (database versions not stated): gnomAD exomes below 0.00001.
gnomAD v4.1: 5 of 1,613,988 alleles (0.00031%); highest among the groups gnomAD compares: Non-Finnish European, 0.00042%; no homozygotes.

Submission:

Labcorp Genetics (formerly Invitae), Labcorp
Classification: Uncertain significance for Werner syndrome. Last evaluated: 2017-01-25. Review status: criteria provided, single submitter. Criteria: Invitae Variant Classification Sherloc (09022015). Collection method: clinical testing. Allele origin: germline.
Comment: In summary, this variant is a novel missense change with uncertain impact on mRNA splicing and protein function. It has been classified as a Variant of Uncertain Significance. Algorithms developed to predict the effect of sequence changes on RNA splicing suggest that this variant may alter RNA splicing, but this prediction has not been confirmed by published transcriptional studies. Algorithms developed to predict the effect of missense changes on protein structure and function output the following: (SIFT: "Tolerated"; PolyPhen-2: "Benign"; Align-GVGD: "Class C0"). The isoleucine amino acid residue is found in multiple mammalian species, suggesting that this missense change does not adversely affect protein function. These predictions have not been confirmed by published functional studies. This variant is not present in population databases (ExAC no frequency) and has not been reported in the literature in individuals with a WRN-related disease. This sequence change replaces methionine with isoleucine at codon 949 of the WRN protein (p.Met949Ile). The methionine residue is weakly conserved and there is a small physicochemical difference between methionine and isoleucine.

NM_000553.6(WRN):c.2847G>A (p.Met949Ile)

Gene: WRN (WRN RecQ like helicase; plus strand). Cytogenetic location: 8p12.
Variant type: single nucleotide variant.
Coding change: c.2847G>A on transcript NM_000553.6 (MANE Select); coding-DNA position 2847, G replaced by A.
Protein change: p.Met949Ile; replaces methionine 949 with isoleucine.
Molecular consequence: missense variant.
Genome position (GRCh38, 1-based): chr8:31,132,386, G>A. VCF-style: chr8-31132386-G-A. GRCh37 (hg19) VCF-style: chr8-30989902-G-A.
Other names: short protein forms M949I.
Identifiers: ClinVar variation 458432 (VCV000458432.3), dbSNP rs1554530875, ClinGen allele CA370918804.
Genomic context (GRCh38, chr8:31,132,386, plus strand): 5'-TTTGCTAAGCTTTCTTCAAATGTTATTATTTTTATTTAGATTGGATCATTGCTATTCCAT[G>A]GATGACTCAGAGGATACATCCTGGGACTTTGGTCCACAAGCATTTAAGCTTTTGTCTGCT-3'
Protein context (NP_000544.2, residues 939-959): CRSRLDHCYS[Met949Ile]DDSEDTSWDF